The following is an entry in ClinVar:

ClinVar aggregate classification (germline): Pathogenic (1 of 4 stars; one submission).

Conditions:
Hereditary thrombocytopenia and hematological cancer predisposition syndrome associated with RUNX1. Also called: PLATELET DISORDER, ASPIRIN-LIKE; Familial Platelet Disorder with Propensity to Acute Myelogenous Leukemia; Familial thrombocytopenia with propensity to acute myelogenous leukemia; RUNX1 Familial Platelet Disorder with Associated Myeloid Malignancies. Identifiers: Orphanet 71290, MedGen C1832388, MeSH C563324, MONDO:0100083, OMIM 601399.

Submission:

Labcorp Genetics (formerly Invitae), Labcorp
Classification: Pathogenic for Hereditary thrombocytopenia and hematological cancer predisposition syndrome associated with RUNX1. Last evaluated: 2019-10-03. Review status: criteria provided, single submitter. Criteria: Invitae Variant Classification Sherloc (09022015). Collection method: clinical testing. Allele origin: germline.
Comment: This variant is an out-of-frame deletion of the genomic region encompassing exon 5 of the RUNX1 gene. This is expected to create a premature translational stop signal and result in an absent or disrupted protein product. This variant has not been reported in the literature in individuals with RUNX1-related conditions. Loss-of-function variants in RUNX1 are known to be pathogenic (PMID: 18723428, 24100448). For these reasons, this variant has been classified as Pathogenic.

Literature cited by the submitters: PubMed 18723428; PubMed 24100448.

NC_000021.9:g.(?_34880547)_(34880723_?)del

Gene: RUNX1 (RUNX family transcription factor 1; minus strand). Cytogenetic location: 21q22.12.
Variant type: Deletion.
Identifiers: ClinVar variation 833071 (VCV000833071.5).